The following is an entry in ClinVar:

ClinVar aggregate classification (germline): Uncertain significance (1 of 4 stars; one submission).

Conditions:
KBG syndrome (KBGS). Also called: ANKRD11-Related KBG Syndrome. Identifiers: Orphanet 2332, MedGen C0220687, MONDO:0007846, OMIM 148050.

gnomAD v4.1: 1 of 1,613,538 alleles (0.000062%); highest among the groups gnomAD compares: South Asian, 0.0011%; no homozygotes.

Submission:

Labcorp Genetics (formerly Invitae), Labcorp
Classification: Uncertain significance for KBG syndrome. Last evaluated: 2025-11-04. Review status: criteria provided, single submitter. Criteria: Invitae Variant Classification Sherloc (09022015). Collection method: clinical testing. Allele origin: germline.
Comment: This sequence change replaces isoleucine, which is neutral and non-polar, with threonine, which is neutral and polar, at codon 728 of the ANKRD11 protein (p.Ile728Thr). This variant is not present in population databases (gnomAD no frequency). This variant has not been reported in the literature in individuals affected with ANKRD11-related conditions. Invitae Evidence Modeling of protein sequence and biophysical properties (such as structural, functional, and spatial information, amino acid conservation, physicochemical variation, residue mobility, and thermodynamic stability) indicates that this missense variant is not expected to disrupt ANKRD11 protein function with a negative predictive value of 95%. In summary, the available evidence is currently insufficient to determine the role of this variant in disease. Therefore, it has been classified as a Variant of Uncertain Significance.

NM_013275.6(ANKRD11):c.2183T>C (p.Ile728Thr)

Gene: ANKRD11 (ankyrin repeat domain 11; minus strand). Cytogenetic location: 16q24.3.
Variant type: single nucleotide variant.
Coding change: c.2183T>C on transcript NM_013275.6 (MANE Select); coding-DNA position 2183, T replaced by C.
Protein change: p.Ile728Thr; replaces isoleucine 728 with threonine.
Molecular consequence: missense variant.
Genome position (GRCh38, 1-based): chr16:89,284,359, A>G on the plus strand (T>C on the coding strand, the complement: ANKRD11 is on the minus strand). VCF-style: chr16-89284359-A-G. GRCh37 (hg19) VCF-style: chr16-89350767-A-G.
Other names: c.2183T>C, p.Ile728Thr (NM_001256182.2, NM_001256183.2); short protein forms I728T.
Identifiers: ClinVar variation 4709244 (VCV004709244.1).